The following is an entry in ClinVar:

ClinVar aggregate classification (germline): Uncertain significance (1 of 4 stars; one submission).

Conditions:
ISM1-related disorder. Also called: ISM1-related condition.

Allele frequency attached by ClinVar (database versions not stated): gnomAD exomes below 0.00001; gnomAD 0.00001; TOPMed 0.00001.
gnomAD v4.1: 8 of 1,613,836 alleles (0.0005%); highest among the groups gnomAD compares: South Asian, 0.0011%; no homozygotes.

Submission:

PreventionGenetics, part of Exact Sciences
Classification: Uncertain significance for ISM1-related condition. Last evaluated: 2023-10-03. Review status: criteria provided, single submitter. Criteria: ACMG Guidelines, 2015. Collection method: clinical testing. Allele origin: germline.
Comment: The ISM1 c.259C>T variant is predicted to result in premature protein termination (p.Arg87*). To our knowledge, this variant has not been reported in the literature. This variant is reported in 0.0065% of alleles in individuals of European (Non-Finnish) descent in gnomAD. Loss of function variants have not commonly been reported in the ISM1 gene. At this time, the clinical significance of this variant is uncertain due to the absence of conclusive functional and genetic evidence.

NM_080826.2(ISM1):c.259C>T (p.Arg87Ter)

Genes: ISM1 (isthmin 1; plus strand), TASP1 (taspase 1; minus strand). Cytogenetic location: 20p12.1.
Variant type: single nucleotide variant.
Coding change: c.259C>T on transcript NM_080826.2 (MANE Select); coding-DNA position 259, C replaced by T.
Protein change: p.Arg87Ter; replaces arginine 87 with a stop codon.
Molecular consequence: nonsense.
Genome position (GRCh38, 1-based): chr20:13,270,624, C>T. VCF-style: chr20-13270624-C-T. GRCh37 (hg19) VCF-style: chr20-13251271-C-T.
Other names: short protein forms R87*.
Identifiers: ClinVar variation 2633990 (VCV002633990.1), dbSNP rs1222075671, ClinGen allele CA408287974.